The following is an entry in ClinVar:

NM_002299.4(LCT):c.683A>G (p.Glu228Gly)

Gene: LCT (lactase; minus strand). Cytogenetic location: 2q21.3.
Variant type: single nucleotide variant.
Coding change: c.683A>G on transcript NM_002299.4 (MANE Select); coding-DNA position 683, A replaced by G.
Protein change: p.Glu228Gly; replaces glutamic acid 228 with glycine.
Molecular consequence: missense variant.
Genome position (GRCh38, 1-based): chr2:135,833,148, T>C on the plus strand (A>G on the coding strand, the complement: LCT is on the minus strand). VCF-style: chr2-135833148-T-C. GRCh37 (hg19) VCF-style: chr2-136590718-T-C.
Other names: short protein forms E228G.
Identifiers: ClinVar variation 1985982 (VCV001985982.4), dbSNP rs1558747231, ClinGen allele CA348608793.

ClinVar aggregate classification (germline): Uncertain significance (1 of 4 stars; one submission).

Allele frequency attached by ClinVar (database versions not stated): gnomAD exomes 0.00001.
gnomAD v4.1: 5 of 1,614,008 alleles (0.00031%); highest among the groups gnomAD compares: Non-Finnish European, 0.00034%; no homozygotes.

Submission:

Labcorp Genetics (formerly Invitae), Labcorp
Classification: Uncertain significance. Last evaluated: 2022-04-12. Review status: criteria provided, single submitter. Criteria: Invitae Variant Classification Sherloc (09022015). Collection method: clinical testing. Allele origin: germline.
Comment: In summary, the available evidence is currently insufficient to determine the role of this variant in disease. Therefore, it has been classified as a Variant of Uncertain Significance. Algorithms developed to predict the effect of sequence changes on RNA splicing suggest that this variant may disrupt the consensus splice site. Algorithms developed to predict the effect of missense changes on protein structure and function are either unavailable or do not agree on the potential impact of this missense change (SIFT: "Not Available"; PolyPhen-2: "Benign"; Align-GVGD: "Not Available"). This variant has not been reported in the literature in individuals affected with LCT-related conditions. This variant is not present in population databases (gnomAD no frequency). This sequence change replaces glutamic acid, which is acidic and polar, with glycine, which is neutral and non-polar, at codon 228 of the LCT protein (p.Glu228Gly).